The following is an entry in ClinVar:

NM_002470.4(MYH3):c.3390C>T (p.Arg1130=)

Gene: MYH3 (myosin heavy chain 3; minus strand). Cytogenetic location: 17p13.1.
Variant type: single nucleotide variant.
Coding change: c.3390C>T on transcript NM_002470.4 (MANE Select); coding-DNA position 3390, C replaced by T.
Protein change: p.Arg1130=; no amino-acid change (arginine 1130 retained).
Molecular consequence: synonymous variant.
Genome position (GRCh38, 1-based): chr17:10,638,382, G>A on the plus strand (C>T on the coding strand, the complement: MYH3 is on the minus strand). VCF-style: chr17-10638382-G-A. GRCh37 (hg19) VCF-style: chr17-10541699-G-A.
Other names: c.3390C>T (NM_002470.3).
Identifiers: ClinVar variation 1425508 (VCV001425508.9), dbSNP rs368557407, ClinGen allele CA8392533.

ClinVar aggregate classification (germline): Likely benign. Review status: criteria provided, multiple submitters, no conflicts (2 of 4 stars). 3 submissions from 3 submitters: Likely benign (2). 1 of the submissions does not count toward it. Last evaluated 2025-09-28.

Conditions:
MYH3-related disorder. Also called: MYH3-Related Disorders; MYH3-related condition. Identifiers: MedGen CN239329.

Allele frequency attached by ClinVar (database versions not stated): ESP Exome Variant Server 0.00008; gnomAD 0.00013 and 0.00014; TOPMed 0.00015.
gnomAD v4.1: 44 of 1,603,326 alleles (0.0027%); highest among the groups gnomAD compares: African/African-American, 0.051%; no homozygotes.

Submissions (3):

Labcorp Genetics (formerly Invitae), Labcorp
Classification: Likely benign. Last evaluated: 2025-09-28. Review status: criteria provided, single submitter. Criteria: Invitae Variant Classification Sherloc (09022015). Collection method: clinical testing. Allele origin: germline.

Blueprint Genetics
Classification: Likely benign. Last evaluated: 2023-06-27. Review status: criteria provided, single submitter. Criteria: ACMG Guidelines, 2015. Collection method: clinical testing. Allele origin: germline.

PreventionGenetics, part of Exact Sciences
Classification: Likely benign for MYH3-related condition. Last evaluated: 2024-02-13. Review status: no assertion criteria provided. Collection method: clinical testing. Allele origin: germline. Not counted in ClinVar's aggregate classification.
Comment: This variant is classified as likely benign based on ACMG/AMP sequence variant interpretation guidelines (Richards et al. 2015 PMID: 25741868, with internal and published modifications).